The following is an entry in ClinVar:

ClinVar aggregate classification (germline): Pathogenic. Review status: criteria provided, multiple submitters, no conflicts (2 of 4 stars). 7 submissions from 7 submitters: Pathogenic (7). Last evaluated 2024-12-27.

Conditions:
ALDH5A1-related disorder. Also called: ALDH5A1-related condition.
Succinate-semialdehyde dehydrogenase deficiency (SSADHD). Also called: 4-HYDROXYBUTYRIC ACIDURIA; GABA METABOLIC DEFECT; SSADH DEFICIENCY; Succinic Semialdehyde Dehydrogenase Deficiency. Identifiers: Orphanet 22, MedGen C0268631, MONDO:0010083, OMIM 271980.

Submissions (7):

PreventionGenetics, part of Exact Sciences
Classification: Pathogenic for ALDH5A1-related condition. Last evaluated: 2024-12-27. Review status: criteria provided, single submitter. Criteria: ACMG Guidelines, 2015. Collection method: clinical testing. Allele origin: germline.
Comment: The ALDH5A1 c.621delC variant is predicted to result in a frameshift and premature protein termination (p.Ser208Valfs*3). This variant has been reported in homozygous and compound heterozygous state in several individuals with succinic semialdehyde dehydrogenase deficiency (Akaboshi et al. 2003. PubMed ID: 14635103; Tokatly Latzer et al. 2023. PubMed ID: 37962671). This variant is reported in 0.00088% of alleles in individuals of European (non-Finnish) descent in gnomAD. Frameshift variants in ALDH5A1 are expected to be pathogenic. This variant is interpreted as pathogenic.

3billion
Classification: Pathogenic for Succinate-semialdehyde dehydrogenase deficiency. Last evaluated: 2024-09-28. Review status: criteria provided, single submitter. Criteria: ACMG Guidelines, 2015. Collection method: clinical testing. Allele origin: germline. Affected: yes.
Comment: The variant is observed at an extremely low frequency in the gnomAD v4.1.0 dataset (total allele frequency: 0.001%). Predicted Consequence/Location: Frameshift: predicted to result in a loss or disruption of normal protein function through nonsense-mediated decay (NMD) or protein truncation. Multiple pathogenic variants are reported downstream of the variant. The variant has been reported at least twice as pathogenic with clinical assertions and evidence for the classification (ClinVar ID: VCV000664746 /PMID: 14635103 /3billion dataset). Therefore, this variant is classified as Pathogenic according to the recommendation of ACMG/AMP guideline.

Labcorp Genetics (formerly Invitae), Labcorp
Classification: Pathogenic for Succinate-semialdehyde dehydrogenase deficiency. Last evaluated: 2024-02-24. Review status: criteria provided, single submitter. Criteria: Invitae Variant Classification Sherloc (09022015). Collection method: clinical testing. Allele origin: germline.
Comment: This sequence change creates a premature translational stop signal (p.Ser208Valfs*3) in the ALDH5A1 gene. It is expected to result in an absent or disrupted protein product. Loss-of-function variants in ALDH5A1 are known to be pathogenic (PMID: 14635103). This variant is present in population databases (no rsID available, gnomAD 0.0009%). This premature translational stop signal has been observed in individual(s) with succinate semialdehyde dehydrogenase deficiency (PMID: 14635103). ClinVar contains an entry for this variant (Variation ID: 664746). For these reasons, this variant has been classified as Pathogenic.

GeneDx
Classification: Pathogenic. Last evaluated: 2023-05-25. Review status: criteria provided, single submitter. Criteria: GeneDx Variant Classification Process June 2021. Collection method: clinical testing. Allele origin: germline. Affected: yes.
Comment: Frameshift variant predicted to result in protein truncation or nonsense mediated decay in a gene for which loss of function is a known mechanism of disease; Not observed at significant frequency in large population cohorts (gnomAD); This variant is associated with the following publications: (PMID: 14635103, 32395407)

Dasa
Classification: Pathogenic for Succinate-semialdehyde dehydrogenase deficiency. Last evaluated: 2022-08-10. Review status: criteria provided, single submitter. Criteria: ACMG Guidelines, 2015. Collection method: clinical testing. Allele origin: germline. Observed: 1 variant allele.
Comment: The c.621del;p.(Ser208Valfs*3) is a null frameshift variant (NMD) in the ALDH5A1 gene and predicts alteration of the nonsense-mediate decay - NMD is present in a relevant exon to the transcript - PVS1.This sequence change has been observed in affected individual(s) and ClinVar contains an entry for this variant(ClinVar ID: 664746; PMID: 14635103, 32395407) - PS4. The variant is present at low allele frequencies population databases (rs1306678453 – gnomAD 0.00006571%; ABraOM no frequency) -PM2_supporting.The p.(Ser208Valfs*3) was detected in trans with a pathogenic variant (PMID: 14635103; 32395407) - PM3. In summary, the currently available evidence indicates that the variant is pathogenic.

Elsea Laboratory, Baylor College of Medicine
Classification: Pathogenic for Succinate-semialdehyde dehydrogenase deficiency. Last evaluated: 2021-03-08. Review status: criteria provided, single submitter. Criteria: Martin et al. (J Child Neurol. 2021). Collection method: curation. Allele origin: germline. Affected: yes.

Clinical Genetics Service, Universitary Hospital 12 de Octubre
Classification: Pathogenic for Succinate-semialdehyde dehydrogenase deficiency. Review status: criteria provided, single submitter. Criteria: ACMG Guidelines, 2015. Collection method: clinical testing. Allele origin: germline. Affected: yes.

Literature cited by the submitters: PubMed 14635103 (cited by 4 submitters); PubMed 32395407 (cited by Dasa).

NM_001080.3(ALDH5A1):c.621del (p.Ser208fs)

Gene: ALDH5A1 (aldehyde dehydrogenase 5 family member A1; plus strand). Cytogenetic location: 6p22.3.
Variant type: Deletion.
Coding change: c.621del on transcript NM_001080.3 (MANE Select); coding-DNA position 621, one base deleted (C; older notation c.621delC).
Protein change: p.Ser208fs; shifts the reading frame from serine 208.
Molecular consequence: frameshift variant.
Genome position (GRCh38, 1-based): chr6:24,504,880, C deleted; the last of 4 consecutive C bases (chr6:24,504,877-24,504,880); deleting any one gives the same sequence. VCF-style (leftmost placement, unchanged base first): chr6-24504876-TC-T. GRCh37 (hg19) VCF-style: chr6-24505104-TC-T.
Other names: c.621del, p.Ser208fs (NM_001368954.1, NM_170740.1); c.621delC (NM_001080.3); short protein forms S208fs.
Identifiers: ClinVar variation 664746 (VCV000664746.15), dbSNP rs1306678453, ClinGen allele CA565926960.